The following is an entry in ClinVar:

ClinVar aggregate classification (germline): Conflicting classifications of pathogenicity. Review status: criteria provided, conflicting classifications (1 of 4 stars). 2 submissions from 2 submitters: Likely pathogenic (1); Uncertain significance (1). Last evaluated 2023-07-21.

Conditions:
Hyperuricemia, pulmonary hypertension, renal failure, alkalosis syndrome (HUPRAS). Also called: HUPRA SYNDROME; HYPERURICEMIA, PULMONARY HYPERTENSION, RENAL FAILURE, AND ALKALOSIS SYNDROME. Identifiers: Orphanet 363694, MedGen C3151209, MONDO:0013458, OMIM 613845.

Allele frequency attached by ClinVar (database versions not stated): gnomAD 0.00001.

Submissions (2):

GeneDx
Classification: Uncertain significance. Last evaluated: 2023-07-21. Review status: criteria provided, single submitter. Criteria: GeneDx Variant Classification Process June 2021. Collection method: clinical testing. Allele origin: germline. Affected: yes.
Comment: Has not been previously published as pathogenic or benign to our knowledge; Not observed at significant frequency in large population cohorts (gnomAD); In silico analysis supports a deleterious effect on splicing

Center for Genomics, Ann and Robert H. Lurie Children's Hospital of Chicago
Classification: Likely pathogenic for Hyperuricemia, pulmonary hypertension, renal failure, alkalosis syndrome. Last evaluated: 2023-01-10. Review status: criteria provided, single submitter. Criteria: ACMG Guidelines, 2015. Collection method: clinical testing. Allele origin: germline. Observed: 1 variant allele, 1 homozygote.
Comment: This variant has not been reported in the literature. It is present in gnomAD (Highest reported MAF: 0.003% [2/68518]). Of note, this is a silent variant and does not change the amino acid; however, splice prediction tools strongly suggest that this variant impacts splicing. Transcriptional analyses performed internally were consistent with the computational predictions; they demonstrated that this variant causes loss of use of the canonical splice site and shifts the splice site downstream by 14 nucleotide positions, causing the first 14 nucleotides of the canonical exon 6 to be lost from the mRNA transcript (NM_017827.3, r.590_603del). This is expected to introduce a frameshift and subsequent premature termination codon in exon 8 [p.(Val197Alafs*69)], resulting in protein truncation or loss of allelic expression through nonsense-mediated mRNA decay. Biallelic loss of function has been reported in association with disease for this gene (Linnankivi 2016 PMID: 27279129). In summary, data on this variant is highly suspicious for disease, but requires further evidence for pathogenicity. Therefore, this variant is classified as likely pathogenic.

identified by commerical laboratory; transcriptional analyses performed by submitting laboratory

NM_017827.4(SARS2):c.603A>G (p.Gln201=)

Gene: SARS2 (seryl-tRNA synthetase 2, mitochondrial; minus strand). Cytogenetic location: 19q13.2.
Variant type: single nucleotide variant.
Coding change: c.603A>G on transcript NM_017827.4 (MANE Select); coding-DNA position 603, A replaced by G.
Protein change: p.Gln201=; no amino-acid change (glutamine 201 retained).
Molecular consequence: synonymous variant.
Genome position (GRCh38, 1-based): chr19:38,920,136, T>C on the plus strand (A>G on the coding strand, the complement: SARS2 is on the minus strand). VCF-style: chr19-38920136-T-C. GRCh37 (hg19) VCF-style: chr19-39410776-T-C.
Other names: c.609A>G, p.Gln203= (NM_001145901.2).
Identifiers: ClinVar variation 2574738 (VCV002574738.2), dbSNP rs749070624, ClinGen allele CA9423104.